The following is an entry in ClinVar:

NM_012330.4(KAT6B):c.3855G>T (p.Glu1285Asp)

Gene: KAT6B (lysine acetyltransferase 6B; plus strand). Cytogenetic location: 10q22.2.
Variant type: single nucleotide variant.
Coding change: c.3855G>T on transcript NM_012330.4 (MANE Select); coding-DNA position 3855, G replaced by T.
Protein change: p.Glu1285Asp; replaces glutamic acid 1285 with aspartic acid.
Molecular consequence: missense variant.
Genome position (GRCh38, 1-based): chr10:75,028,679, G>T. VCF-style: chr10-75028679-G-T. GRCh37 (hg19) VCF-style: chr10-76788437-G-T.
Other names: c.3306G>T, p.Glu1102Asp (NM_001256468.2, NM_001370138.1); c.2979G>T, p.Glu993Asp (NM_001256469.2, NM_001370139.1, NM_001370140.1 and 2 more transcripts); c.2817G>T, p.Glu939Asp (NM_001370132.1); c.2166G>T, p.Glu722Asp (NM_001370133.1); c.1770G>T, p.Glu590Asp (NM_001370134.1); c.1512G>T, p.Glu504Asp (NM_001370135.1); c.3855G>T, p.Glu1285Asp (NM_001370136.1, NM_001370137.1); c.2790G>T, p.Glu930Asp (NM_001370143.1, NM_001370144.1); short protein forms E930D, E1102D, E1285D, E504D, E722D, E590D, E939D, E993D.
Identifiers: ClinVar variation 2112299 (VCV002112299.4), dbSNP rs756421689, ClinGen allele CA377292327.

ClinVar aggregate classification (germline): Uncertain significance (1 of 4 stars; one submission).

Conditions:
Genitopatellar syndrome (GTPTS). Also called: ABSENT PATELLAE, SCROTAL HYPOPLASIA, RENAL ANOMALIES, FACIAL DYSMORPHISM, AND MENTAL RETARDATION; Genitopatellar syndrome (GPS). Identifiers: Orphanet 85201, MedGen C1853566, MONDO:0011640, OMIM 606170.

gnomAD v4.1: 1 of 1,614,084 alleles (0.000062%); highest among the groups gnomAD compares: Non-Finnish European, 0.000085%; no homozygotes.

Submission:

Labcorp Genetics (formerly Invitae), Labcorp
Classification: Uncertain significance for Genitopatellar syndrome. Last evaluated: 2022-03-15. Review status: criteria provided, single submitter. Criteria: Invitae Variant Classification Sherloc (09022015). Collection method: clinical testing. Allele origin: germline.
Comment: This variant has not been reported in the literature in individuals affected with KAT6B-related conditions. This sequence change replaces glutamic acid, which is acidic and polar, with aspartic acid, which is acidic and polar, at codon 1285 of the KAT6B protein (p.Glu1285Asp). This variant is not present in population databases (gnomAD no frequency). Algorithms developed to predict the effect of missense changes on protein structure and function output the following: SIFT: "Tolerated"; PolyPhen-2: "Benign"; Align-GVGD: "Class C0". The aspartic acid amino acid residue is found in multiple mammalian species, which suggests that this missense change does not adversely affect protein function. In summary, the available evidence is currently insufficient to determine the role of this variant in disease. Therefore, it has been classified as a Variant of Uncertain Significance.